The following is an entry in ClinVar:

NM_001606.5(ABCA2):c.5831G>A (p.Ser1944Asn)

Genes: ABCA2 (ATP binding cassette subfamily A member 2; minus strand), LOC126860796 (CDK7 strongly-dependent group 2 enhancer GRCh37_chr9:139904888-139906087; plus strand). Cytogenetic location: 9q34.3.
Variant type: single nucleotide variant.
Coding change: c.5831G>A on transcript NM_001606.5 (MANE Select); coding-DNA position 5831, G replaced by A.
Protein change: p.Ser1944Asn; replaces serine 1944 with asparagine.
Molecular consequence: missense variant.
Genome position (GRCh38, 1-based): chr9:137,011,278, C>T on the plus strand (G>A on the coding strand, the complement: ABCA2 is on the minus strand). VCF-style: chr9-137011278-C-T. GRCh37 (hg19) VCF-style: chr9-139905730-C-T.
Other names: c.5828G>A, p.Ser1943Asn (NM_001411042.1); c.5921G>A, p.Ser1974Asn (NM_212533.3); short protein forms S1943N, S1974N, S1944N.
Identifiers: ClinVar variation 4055818 (VCV004055818.2).

ClinVar aggregate classification (germline): Uncertain significance (1 of 4 stars; one submission).

gnomAD v4.1: 2 of 1,612,496 alleles (0.00012%); highest among the groups gnomAD compares: East Asian, 0.0045%; no homozygotes.

Submission:

GeneDx
Classification: Uncertain significance. Last evaluated: 2026-08-26. Review status: criteria provided, single submitter. Criteria: GeneDx Variant Classification Process June 2021. Collection method: clinical testing. Allele origin: germline.
Comment: In silico analysis suggests that this missense variant does not alter protein structure/function; Has not been previously published as pathogenic or benign to our knowledge